The following is an entry in ClinVar:

ClinVar aggregate classification (germline): Conflicting classifications of pathogenicity. Review status: criteria provided, conflicting classifications (1 of 4 stars). 7 submissions from 7 submitters: Uncertain significance (1); Benign (2); Likely benign (3). 1 of the submissions does not count toward it. Last evaluated 2025-11-27.

Conditions:
OPHN1-related disorder.
Inborn genetic diseases. Identifiers: MedGen C0950123, MeSH D030342.
Intellectual developmental disorder, X-linked, syndromic, Billuart type. Also called: X-linked intellectual disability-cerebellar hypoplasia syndrome; MENTAL RETARDATION, X-LINKED 60. Identifiers: Orphanet 137831, MedGen C1845366, MONDO:0010337, OMIM 300486.

Allele frequency attached by ClinVar (database versions not stated): ESP Exome Variant Server 0.00009; gnomAD 0.00011 and 0.00013; gnomAD exomes 0.00023 and 0.00015; TOPMed 0.00014; ExAC 0.00023.
gnomAD v4.1: 179 of 1,207,185 alleles (0.015%); highest among the groups gnomAD compares: Middle Eastern, 0.069%; no homozygotes.

Submissions (7):

Labcorp Genetics (formerly Invitae), Labcorp
Classification: Benign. Last evaluated: 2025-11-27. Review status: criteria provided, single submitter. Criteria: Invitae Variant Classification Sherloc (09022015). Collection method: clinical testing. Allele origin: germline.

CeGaT Center for Human Genetics Tuebingen
Classification: Likely benign. Last evaluated: 2025-04-01. Review status: criteria provided, single submitter. Criteria: CeGaT Center For Human Genetics Tuebingen Variant Classification Criteria Version 2. Collection method: clinical testing. Allele origin: germline. Affected: yes. Observed: 2 variant alleles.
Comment: OPHN1: BS2

Blueprint Genetics
Classification: Likely benign. Last evaluated: 2024-11-21. Review status: criteria provided, single submitter. Criteria: ACMG Guidelines, 2015. Collection method: clinical testing. Allele origin: germline.

GeneDx
Classification: Likely benign. Last evaluated: 2020-09-11. Review status: criteria provided, single submitter. Criteria: GeneDx Variant Classification Process June 2021. Collection method: clinical testing. Allele origin: germline. Affected: yes.
Comment: This variant is associated with the following publications: (PMID: 19377476)

Genomic Research Center, Shahid Beheshti University of Medical Sciences
Classification: Uncertain significance for Mental retardation X-linked with cerebellar hypoplasia and distinctive facial appearance. Last evaluated: 2019-01-01. Review status: criteria provided, single submitter. Criteria: ACMG Guidelines, 2015. Collection method: clinical testing. Allele origin: inherited. Affected: yes. Observed: 1 variant allele.

Ambry Genetics
Classification: Benign for Inborn genetic diseases. Last evaluated: 2018-06-29. Review status: criteria provided, single submitter. Criteria: Ambry Variant Classification Scheme 2023. Collection method: clinical testing. Allele origin: germline.

PreventionGenetics, part of Exact Sciences
Classification: Likely benign for OPHN1-related condition. Last evaluated: 2021-11-01. Review status: no assertion criteria provided. Collection method: clinical testing. Allele origin: germline. Not counted in ClinVar's aggregate classification.
Comment: This variant is classified as likely benign based on ACMG/AMP sequence variant interpretation guidelines (Richards et al. 2015 PMID: 25741868, with internal and published modifications).

NM_002547.3(OPHN1):c.2168A>G (p.Asp723Gly)

Gene: OPHN1 (oligophrenin 1; minus strand). Cytogenetic location: Xq12.
Variant type: single nucleotide variant.
Coding change: c.2168A>G on transcript NM_002547.3 (MANE Select); coding-DNA position 2168, A replaced by G.
Protein change: p.Asp723Gly; replaces aspartic acid 723 with glycine.
Molecular consequence: missense variant.
Genome position (GRCh38, 1-based): chrX:68,053,801, T>C on the plus strand (A>G on the coding strand, the complement: OPHN1 is on the minus strand). VCF-style: chrX-68053801-T-C. GRCh37 (hg19) VCF-style: chrX-67273643-T-C.
Other names: short protein forms D723G.
Identifiers: ClinVar variation 437439 (VCV000437439.24), dbSNP rs374431961, ClinGen allele CA10436774.